The following is an entry in ClinVar:

ClinVar aggregate classification (germline): Uncertain significance (1 of 4 stars; one submission).

Conditions:
Combined immunodeficiency due to DOCK8 deficiency (HIES2). Also called: Hyper-IgE recurrent infection syndrome, autosomal recessive; HYPER-IgE RECURRENT INFECTION SYNDROME 2, AUTOSOMAL RECESSIVE; HIES autosomal recessive; DOCK8 Deficiency; HYPER-IgE SYNDROME 2, AUTOSOMAL RECESSIVE, WITH RECURRENT INFECTIONS. Identifiers: Orphanet 217390, MedGen C4722305, MONDO:0009478, OMIM 243700.

Submission:

Centre for Mendelian Genomics, University Medical Centre Ljubljana
Classification: Uncertain significance for Combined immunodeficiency due to DOCK8 deficiency. Last evaluated: 2020-01-08. Review status: criteria provided, single submitter. Criteria: ACMG Guidelines, 2015. Collection method: clinical testing. Allele origin: unknown. Affected: yes.
Comment: This variant was classified as: Uncertain significance. The available evidence on this variant's pathogenicity is insufficient or conflicting. The following ACMG criteria were applied in classifying this variant: PM2,PP3.

NM_203447.4(DOCK8):c.2308G>C (p.Glu770Gln)

Gene: DOCK8 (dedicator of cytokinesis 8; plus strand). Cytogenetic location: 9p24.3.
Variant type: single nucleotide variant.
Coding change: c.2308G>C on transcript NM_203447.4 (MANE Select); coding-DNA position 2308, G replaced by C.
Protein change: p.Glu770Gln; replaces glutamic acid 770 with glutamine.
Molecular consequence: missense variant.
Genome position (GRCh38, 1-based): chr9:377,079, G>C. VCF-style: chr9-377079-G-C. GRCh37 (hg19) VCF-style: chr9-377079-G-C.
Other names: c.2104G>C, p.Glu702Gln (NM_001190458.2, NM_001193536.2); short protein forms E702Q, E770Q.
Identifiers: ClinVar variation 931018 (VCV000931018.3), dbSNP rs2053549124, ClinGen allele CA372763232.
Genomic context (GRCh38, chr9:377,079, plus strand): 5'-GAGAGCCAGGTGACCTTCCCCATCCGCGTGCTGGATCAGAAAATCAGCGAGATGGCGCTG[G>C]AGCATGAGCTGAAGCTCAGCATCATCTGCCTGAACTCCTCCCGCCTGGAGCCGCTCGTGC-3'
Protein context (NP_982272.2, residues 760-780): LDQKISEMAL[Glu770Gln]HELKLSIICL